The following is an entry in ClinVar:

ClinVar aggregate classification (germline): Conflicting classifications of pathogenicity. Review status: criteria provided, conflicting classifications (1 of 4 stars). 3 submissions from 3 submitters: Uncertain significance (2); Likely benign (1). Last evaluated 2025-08-07.

Conditions:
Inborn genetic diseases. Identifiers: MedGen C0950123, MeSH D030342.
Familial juvenile hyperuricemic nephropathy type 1 (ADTKD1). Also called: UMOD-Associated Kidney Disease; Uromodulin-associated kidney disease; Glomerulocystic kidney disease with hyperuricemia and isosthenuria; Medullary cystic kidney disease 2; Autosomal Dominant Tubulointerstitial Kidney Disease – UMOD. Identifiers: Orphanet 209886, Orphanet 34149, Orphanet 88950, MedGen C4551496, MONDO:0008073, OMIM 162000.

gnomAD v4.1: 6 of 1,572,766 alleles (0.00038%); highest among the groups gnomAD compares: Admixed American, 0.011%; no homozygotes.

Submissions (3):

Ambry Genetics
Classification: Likely benign for Inborn genetic diseases. Last evaluated: 2025-08-07. Review status: criteria provided, single submitter. Criteria: Ambry Variant Classification Scheme 2023. Collection method: clinical testing. Allele origin: germline.

Fulgent Genetics
Classification: Uncertain significance for Familial juvenile hyperuricemic nephropathy type 1. Last evaluated: 2024-03-08. Review status: criteria provided, single submitter. Criteria: ACMG Guidelines, 2015. Collection method: clinical testing. Allele origin: germline.

GeneDx
Classification: Uncertain significance. Last evaluated: 2023-05-30. Review status: criteria provided, single submitter. Criteria: GeneDx Variant Classification Process June 2021. Collection method: clinical testing. Allele origin: germline. Affected: yes.
Comment: In silico analysis supports that this missense variant does not alter protein structure/function; Has not been previously published as pathogenic or benign to our knowledge

NM_003361.4(UMOD):c.361C>T (p.His121Tyr)

Gene: UMOD (uromodulin; minus strand). Cytogenetic location: 16p12.3.
Variant type: single nucleotide variant.
Coding change: c.361C>T on transcript NM_003361.4 (MANE Select); coding-DNA position 361, C replaced by T.
Protein change: p.His121Tyr; replaces histidine 121 with tyrosine.
Molecular consequence: missense variant. On other transcripts: non-coding transcript variant (1).
Genome position (GRCh38, 1-based): chr16:20,348,940, G>A on the plus strand (C>T on the coding strand, the complement: UMOD is on the minus strand). VCF-style: chr16-20348940-G-A. GRCh37 (hg19) VCF-style: chr16-20360262-G-A.
Other names: c.361C>T, p.His121Tyr (NM_001008389.3, NM_001378232.1, NM_001378233.1 and 3 more transcripts); c.460C>T, p.His154Tyr (NM_001278614.2); short protein forms H121Y, H154Y.
Identifiers: ClinVar variation 3362008 (VCV003362008.3).